The following is an entry in ClinVar:

ClinVar aggregate classification (germline): Pathogenic (1 of 4 stars; one submission).

Conditions:
Creatine transporter deficiency (CCDS1). Also called: CEREBRAL CREATINE DEFICIENCY SYNDROME 1; Mental retardation , X-linked with seizures, short stature and midface hypoplasia; Mental retardation , X-linked, with creatine transport deficiency; X-linked creatine transporter deficiency; X-linked creatine deficiency syndrome; SLC6A8-Related Creatine Transporter Deficiency. Identifiers: Orphanet 52503, MedGen C1845862, MONDO:0010305, OMIM 300352.

Submission:

Labcorp Genetics (formerly Invitae), Labcorp
Classification: Pathogenic for Creatine transporter deficiency. Last evaluated: 2022-10-16. Review status: criteria provided, single submitter. Criteria: Invitae Variant Classification Sherloc (09022015). Collection method: clinical testing. Allele origin: unknown.
Comment: For these reasons, this variant has been classified as Pathogenic. This variant disrupts a region of the SLC6A8 protein in which other variant(s) (p.Asn336del) have been determined to be pathogenic (PMID: 17603797, 21140503, 22644605, 23234264, 23644449, 23660394). This suggests that this is a clinically significant region of the protein, and that variants that disrupt it are likely to be disease-causing. This variant has not been reported in the literature in individuals affected with SLC6A8-related conditions. This variant is a gross deletion of the genomic region encompassing exon(s) 3-7 of the SLC6A8 gene. This variant would be expected to be in-frame, preserving the integrity of the reading frame.

Literature cited by the submitters: PubMed 17603797; PubMed 21140503; PubMed 22644605; PubMed 23234264; PubMed 23644449; PubMed 23660394.

NC_000023.10:g.(?_152956740)_(152959209_?)del

Gene: SLC6A8 (solute carrier family 6 member 8; plus strand). Cytogenetic location: Xq28.
Variant type: Deletion.
Identifiers: ClinVar variation 3244860 (VCV003244860.1).